The following is an entry in ClinVar:

ClinVar aggregate classification (germline): Uncertain significance (1 of 4 stars; one submission).

gnomAD v4.1: 5 of 1,573,246 alleles (0.00032%); highest among the groups gnomAD compares: South Asian, 0.0012%; no homozygotes.

Submission:

CeGaT Center for Human Genetics Tuebingen
Classification: Uncertain significance. Last evaluated: 2025-03-01. Review status: criteria provided, single submitter. Criteria: CeGaT Center For Human Genetics Tuebingen Variant Classification Criteria Version 2. Collection method: clinical testing. Allele origin: germline. Affected: yes. Observed: 1 variant allele.
Comment: ITGA2B: PM2, BP4

NM_000419.5(ITGA2B):c.2602-4C>G

Gene: ITGA2B (integrin subunit alpha 2b; minus strand). Cytogenetic location: 17q21.31.
Variant type: single nucleotide variant.
Coding change: c.2602-4C>G on transcript NM_000419.5 (MANE Select); 4 bases into the intron before coding-DNA position 2602, C replaced by G.
Molecular consequence: intron variant.
Genome position (GRCh38, 1-based): chr17:44,375,720, G>C on the plus strand (C>G on the coding strand, the complement: ITGA2B is on the minus strand). VCF-style: chr17-44375720-G-C. GRCh37 (hg19) VCF-style: chr17-42453088-G-C.
Identifiers: ClinVar variation 3778226 (VCV003778226.7).